The following is an entry in ClinVar:

ClinVar aggregate classification (germline): Benign. Review status: criteria provided, multiple submitters, no conflicts (2 of 4 stars). 2 submissions from 2 submitters: Benign (2). Last evaluated 2018-01-13.

Conditions:
Congenital myasthenic syndrome 12 (CMS12). Also called: MYASTHENIC SYNDROME, CONGENITAL, WITH TUBULAR AGGREGATES 1; Myasthenia, congenital, 12, with tubular aggregates. Identifiers: Orphanet 353327, Orphanet 590, MedGen C3552335, MONDO:0012518, OMIM 610542.

Allele frequency attached by ClinVar (database versions not stated): gnomAD 0.01206 and 0.01293; TOPMed 0.01319; 1000 Genomes Project 0.01438; 1000 Genomes Project 30x 0.01655.

Submissions (2):

Illumina Laboratory Services, Illumina
Classification: Benign for Congenital myasthenic syndrome 12. Last evaluated: 2018-01-13. Review status: criteria provided, single submitter. Criteria: ICSL Variant Classification Criteria 13 December 2019. Collection method: clinical testing. Allele origin: germline.
Comment: This variant was observed in the ICSL laboratory as part of a predisposition screen in an ostensibly healthy population. It had not been previously curated by ICSL or reported in the Human Gene Mutation Database (HGMD: prior to June 1st, 2018), and was therefore a candidate for classification through an automated scoring system. Utilizing variant allele frequency, disease prevalence and penetrance estimates, and inheritance mode, an automated score was calculated to assess if this variant is too frequent to cause the disease. Based on the score and internal cut-off values, a variant classified as benign is not then subjected to further curation. The score for this variant resulted in a classification of benign for this disease.

Breakthrough Genomics
Classification: Benign. Review status: criteria provided, single submitter. Criteria: ACMG Guidelines, 2015. Collection method: not provided. Allele origin: germline. Inheritance: Autosomal recessive inheritance. Affected: yes.

NM_001244710.2(GFPT1):c.*2685A>G

Gene: GFPT1 (glutamine--fructose-6-phosphate transaminase 1; minus strand). Cytogenetic location: 2p13.3.
Variant type: single nucleotide variant.
Coding change: c.*2685A>G on transcript NM_001244710.2 (MANE Select); 2685 bases downstream of the stop codon, A replaced by G.
Molecular consequence: 3 prime UTR variant.
Genome position (GRCh38, 1-based): chr2:69,323,504, T>C on the plus strand (A>G on the coding strand, the complement: GFPT1 is on the minus strand). VCF-style: chr2-69323504-T-C. GRCh37 (hg19) VCF-style: chr2-69550636-T-C.
Other names: c.*2685A>G (NM_002056.4).
Identifiers: ClinVar variation 336828 (VCV000336828.6), dbSNP rs74972420, ClinGen allele CA10614295.